The following is an entry in ClinVar:

NM_001734.5(C1S):c.870T>A (p.Asp290Glu)

Gene: C1S (complement C1s; plus strand). Cytogenetic location: 12p13.31.
Variant type: single nucleotide variant.
Coding change: c.870T>A on transcript NM_001734.5 (MANE Select); coding-DNA position 870, T replaced by A.
Protein change: p.Asp290Glu; replaces aspartic acid 290 with glutamic acid.
Molecular consequence: missense variant.
Genome position (GRCh38, 1-based): chr12:7,065,969, T>A. VCF-style: chr12-7065969-T-A. GRCh37 (hg19) VCF-style: chr12-7173273-T-A.
Other names: c.369T>A, p.Asp123Glu (NM_001346850.2); c.870T>A, p.Asp290Glu (NM_201442.4); short protein forms D290E, D123E.
Identifiers: ClinVar variation 2753310 (VCV002753310.3), dbSNP rs782177634, ClinGen allele CA383698141.

ClinVar aggregate classification (germline): Uncertain significance (1 of 4 stars; one submission).

Submission:

Labcorp Genetics (formerly Invitae), Labcorp
Classification: Uncertain significance. Last evaluated: 2023-08-17. Review status: criteria provided, single submitter. Criteria: Invitae Variant Classification Sherloc (09022015). Collection method: clinical testing. Allele origin: germline.
Comment: In summary, the available evidence is currently insufficient to determine the role of this variant in disease. Therefore, it has been classified as a Variant of Uncertain Significance. Algorithms developed to predict the effect of sequence changes on RNA splicing suggest that this variant may create or strengthen a splice site. An algorithm developed to predict the effect of missense changes on protein structure and function (PolyPhen-2) suggests that this variant is likely to be tolerated. This variant has not been reported in the literature in individuals affected with C1S-related conditions. This variant is not present in population databases (gnomAD no frequency). This sequence change replaces aspartic acid, which is acidic and polar, with glutamic acid, which is acidic and polar, at codon 290 of the C1S protein (p.Asp290Glu).